The following is an entry in ClinVar:

ClinVar aggregate classification (germline): Conflicting classifications of pathogenicity. Review status: criteria provided, conflicting classifications (1 of 4 stars). 2 submissions from 2 submitters: Likely pathogenic (1); Uncertain significance (1). Last evaluated 2025-04-07.

Allele frequency attached by ClinVar (database versions not stated): gnomAD 0.00001; gnomAD exomes 0.00002; TOPMed 0.00003; ExAC 0.00004; ESP Exome Variant Server 0.00008.
gnomAD v4.1: 17 of 1,611,840 alleles (0.0011%); highest among the groups gnomAD compares: South Asian, 0.0055%; no homozygotes.

Submissions (2):

Labcorp Genetics (formerly Invitae), Labcorp
Classification: Uncertain significance. Last evaluated: 2025-04-07. Review status: criteria provided, single submitter. Criteria: Invitae Variant Classification Sherloc (09022015). Collection method: clinical testing. Allele origin: germline.
Comment: This sequence change replaces arginine, which is basic and polar, with histidine, which is basic and polar, at codon 3033 of the SZT2 protein (p.Arg3033His). The frequency data for this variant in the population databases is considered unreliable, as metrics indicate poor data quality at this position in the gnomAD database. This variant has not been reported in the literature in individuals affected with SZT2-related conditions. ClinVar contains an entry for this variant (Variation ID: 842261). Invitae Evidence Modeling of protein sequence and biophysical properties (such as structural, functional, and spatial information, amino acid conservation, physicochemical variation, residue mobility, and thermodynamic stability) has been performed for this missense variant. However, the output from this modeling did not meet the statistical confidence thresholds required to predict the impact of this variant on SZT2 protein function. In summary, the available evidence is currently insufficient to determine the role of this variant in disease. Therefore, it has been classified as a Variant of Uncertain Significance.

Genetic Services Laboratory, University of Chicago
Classification: Likely pathogenic. Last evaluated: 2018-05-11. Review status: criteria provided, single submitter. Criteria: ACMG Guidelines, 2015. Collection method: clinical testing. Allele origin: germline. Affected: yes.

NM_001365999.1(SZT2):c.9269G>A (p.Arg3090His)

Gene: SZT2 (SZT2 subunit of KICSTOR complex; plus strand). Cytogenetic location: 1p34.2.
Variant type: single nucleotide variant.
Coding change: c.9269G>A on transcript NM_001365999.1 (MANE Select); coding-DNA position 9269, G replaced by A.
Protein change: p.Arg3090His; replaces arginine 3090 with histidine.
Molecular consequence: missense variant.
Genome position (GRCh38, 1-based): chr1:43,447,151, G>A. VCF-style: chr1-43447151-G-A. GRCh37 (hg19) VCF-style: chr1-43912822-G-A.
Other names: c.9098G>A, p.Arg3033His (NM_015284.4); short protein forms R3090H, R3033H.
Identifiers: ClinVar variation 842261 (VCV000842261.14), dbSNP rs374490896, ClinGen allele CA810860.